The following is an entry in ClinVar:

NM_000235.4(LIPA):c.894+6C>T

Gene: LIPA (lipase A, lysosomal acid type; minus strand). Cytogenetic location: 10q23.31.
Variant type: single nucleotide variant.
Coding change: c.894+6C>T on transcript NM_000235.4 (MANE Select); 6 bases into the intron after coding-DNA position 894, C replaced by T.
Molecular consequence: intron variant.
Genome position (GRCh38, 1-based): chr10:89,222,505, G>A on the plus strand (C>T on the coding strand, the complement: LIPA is on the minus strand). VCF-style: chr10-89222505-G-A. GRCh37 (hg19) VCF-style: chr10-90982262-G-A.
Other names: c.546+6C>T (NM_001288979.2); c.894+6C>T (NM_001127605.3).
Identifiers: ClinVar variation 3697282 (VCV003697282.2).

ClinVar aggregate classification (germline): Uncertain significance (1 of 4 stars; one submission).

Conditions:
Wolman disease (WOLD). Also called: Acid cholesteryl ester hydrolase deficiency, Wolman type; Acid lipase disease; Wolman disease, CESD; Wolman disease with hypolipoproteinemia and acanthocytosis; LYSOSOMAL ACID LIPASE DEFICIENCY, ACUTE INFANTILE; LYSOSOMAL ACID LIPASE DEFICIENCY, COMPLETE. Identifiers: Orphanet 75233, MedGen C0043208, MONDO:0019148, OMIM 620151.

gnomAD v4.1: 5 of 1,590,788 alleles (0.00031%); highest among the groups gnomAD compares: Non-Finnish European, 0.00043%; no homozygotes.

Submission:

Labcorp Genetics (formerly Invitae), Labcorp
Classification: Uncertain significance for Wolman disease. Last evaluated: 2024-05-23. Review status: criteria provided, single submitter. Criteria: Invitae Variant Classification Sherloc (09022015). Collection method: clinical testing. Allele origin: germline.
Comment: This sequence change falls in intron 8 of the LIPA gene. It does not directly change the encoded amino acid sequence of the LIPA protein. It affects a nucleotide within the consensus splice site. The frequency data for this variant in the population databases is considered unreliable, as metrics indicate poor data quality at this position in the gnomAD database. This variant has not been reported in the literature in individuals affected with LIPA-related conditions. Variants that disrupt the consensus splice site are a relatively common cause of aberrant splicing (PMID: 17576681, 9536098). Algorithms developed to predict the effect of sequence changes on RNA splicing suggest that this variant is not likely to affect RNA splicing. In summary, the available evidence is currently insufficient to determine the role of this variant in disease. Therefore, it has been classified as a Variant of Uncertain Significance.

Literature cited by the submitters: PubMed 17576681; PubMed 9536098.